The following is an entry in ClinVar:

ClinVar aggregate classification (germline): Uncertain significance (1 of 4 stars; one submission).

gnomAD v4.1: 2 of 1,614,070 alleles (0.00012%); highest among the groups gnomAD compares: Non-Finnish European, 0.00017%; no homozygotes.

Submission:

GeneDx
Classification: Uncertain significance. Last evaluated: 2022-06-18. Review status: criteria provided, single submitter. Criteria: GeneDx Variant Classification Process June 2021. Collection method: clinical testing. Allele origin: germline. Affected: yes.
Comment: Not observed at significant frequency in large population cohorts (gnomAD); In silico analysis supports that this missense variant has a deleterious effect on protein structure/function; Has not been previously published as pathogenic or benign to our knowledge

NM_138711.6(PPARG):c.931G>A (p.Asp311Asn)

Gene: PPARG (peroxisome proliferator activated receptor gamma; plus strand). Cytogenetic location: 3p25.2.
Variant type: single nucleotide variant.
Coding change: c.931G>A on transcript NM_138711.6 (MANE Select); coding-DNA position 931, G replaced by A.
Protein change: p.Asp311Asn; replaces aspartic acid 311 with asparagine.
Molecular consequence: missense variant. On other transcripts: intron variant (5).
Genome position (GRCh38, 1-based): chr3:12,416,905, G>A. VCF-style: chr3-12416905-G-A. GRCh37 (hg19) VCF-style: chr3-12458404-G-A.
Other names: c.931G>A, p.Asp311Asn (NM_001354666.3, NM_001354667.3, NM_001374263.2 and 3 more transcripts); c.304G>A, p.Asp102Asn (NM_001354669.2); c.1021G>A, p.Asp341Asn (NM_015869.5); c.729+10824G>A (NM_001374261.3, NM_001374262.3, NM_001330615.4); c.653+10906G>A (NM_001374266.1); c.819+10824G>A (NM_001374265.1); short protein forms D102N, D311N, D341N.
Identifiers: ClinVar variation 1804611 (VCV001804611.1), dbSNP rs2471061521, ClinGen allele CA351619550.